The following is an entry in ClinVar:

ClinVar aggregate classification (germline): Likely benign (0 of 4 stars; one submission).

Conditions:
DNAH10-related disorder. Also called: DNAH10-related condition.

Allele frequency attached by ClinVar (database versions not stated): gnomAD exomes 0.00003; ExAC 0.00003; TOPMed 0.00001; gnomAD 0.00002.
gnomAD v4.1: 43 of 1,612,700 alleles (0.0027%); highest among the groups gnomAD compares: Non-Finnish European, 0.0033%; no homozygotes.

Submission:

PreventionGenetics, part of Exact Sciences
Classification: Likely benign for DNAH10-related condition. Last evaluated: 2019-07-19. Review status: no assertion criteria provided. Collection method: clinical testing. Allele origin: germline.
Comment: This variant is classified as likely benign based on ACMG/AMP sequence variant interpretation guidelines (Richards et al. 2015 PMID: 25741868, with internal and published modifications).

NM_001372106.1(DNAH10):c.13395C>G (p.Gly4465=)

Genes: DNAH10 (dynein axonemal heavy chain 10; plus strand), DNAH10OS (dynein axonemal heavy chain 10 opposite strand; minus strand). Cytogenetic location: 12q24.31.
Variant type: single nucleotide variant.
Coding change: c.13395C>G on transcript NM_001372106.1 (MANE Select); coding-DNA position 13395, C replaced by G.
Protein change: p.Gly4465=; no amino-acid change (glycine 4465 retained).
Molecular consequence: synonymous variant.
Genome position (GRCh38, 1-based): chr12:123,933,429, C>G. VCF-style: chr12-123933429-C-G. GRCh37 (hg19) VCF-style: chr12-124417976-C-G.
Other names: c.13041C>G, p.Gly4347= (NM_001083900.1, NM_207437.3).
Identifiers: ClinVar variation 3049440 (VCV003049440.2), dbSNP rs759678156, ClinGen allele CA6866227.